The following is an entry in ClinVar:

ClinVar aggregate classification (germline): Pathogenic (1 of 4 stars; one submission).

Conditions:
Clark-Baraitser syndrome. Also called: MENTAL RETARDATION, AUTOSOMAL DOMINANT 49; Mental retardation, tall stature, obesity, macrocephaly and typical facial features; BARAITSER SYNDROME; Intellectual disability, autosomal dominant 49. Identifiers: Orphanet 600731, MedGen C2931130, MONDO:0030914, OMIM 617752.

Submission:

Institute of Human Genetics, University of Leipzig Medical Center
Classification: Pathogenic for Clark-Baraitser syndrome. Last evaluated: 2021-02-03. Review status: criteria provided, single submitter. Criteria: ACMG Guidelines, 2015. Collection method: clinical testing. Allele origin: germline, de novo. Affected: yes.
Comment: This variant was identified as de novo (maternity and paternity confirmed).

NM_001348323.3(TRIP12):c.4726del (p.Ser1576fs)

Gene: TRIP12 (thyroid hormone receptor interactor 12; minus strand). Cytogenetic location: 2q36.3.
Variant type: Deletion.
Coding change: c.4726del on transcript NM_001348323.3 (MANE Select); coding-DNA position 4726, one base deleted (A; older notation c.4726delA).
Protein change: p.Ser1576fs; shifts the reading frame from serine 1576.
Molecular consequence: frameshift variant.
Genome position (GRCh38, 1-based): chr2:229,788,910, T deleted on the plus strand (A on the coding strand, the reverse complement: TRIP12 is on the minus strand). VCF-style (leftmost placement, unchanged base first): chr2-229788909-CT-C. GRCh37 (hg19) VCF-style: chr2-230653625-CT-C.
Other names: c.4645del, p.Ser1549fs (NM_001284214.2, NM_001348315.2); c.4600del, p.Ser1534fs (NM_001284215.2, NM_001348316.2); c.3691del, p.Ser1231fs (NM_001284216.2); c.4585del, p.Ser1529fs (NM_001348317.1, NM_001348318.2); c.4711del, p.Ser1571fs (NM_001348319.1, NM_001348320.2); c.4714del, p.Ser1572fs (NM_001348321.1); c.4726del, p.Ser1576fs (NM_001348322.1, NM_001348324.2, NM_001348325.2 and 2 more transcripts); c.4729del, p.Ser1577fs (NM_001348328.1, NM_001348329.2, NM_001348330.2); and 4 more; short protein forms S1231fs, S1501fs, S1502fs, S1529fs, S1534fs, S1542fs, S1549fs, S1550fs.
Identifiers: ClinVar variation 1285508 (VCV001285508.1), dbSNP rs2154256586, ClinGen allele CA2499215764.